The following is an entry in ClinVar:

NM_001382567.1(STIM1):c.620G>A (p.Arg207His)

Gene: STIM1 (stromal interaction molecule 1; plus strand). Cytogenetic location: 11p15.4.
Variant type: single nucleotide variant.
Coding change: c.620G>A on transcript NM_001382567.1 (MANE Select); coding-DNA position 620, G replaced by A.
Protein change: p.Arg207His; replaces arginine 207 with histidine.
Molecular consequence: missense variant. On other transcripts: non-coding transcript variant (2).
Genome position (GRCh38, 1-based): chr11:4,070,032, G>A. VCF-style: chr11-4070032-G-A. GRCh37 (hg19) VCF-style: chr11-4091262-G-A.
Other names: c.620G>A, p.Arg207His (NM_001277961.3, NM_001277962.2, NM_001382568.1 and 2 more transcripts); c.398G>A, p.Arg133His (NM_001382566.1, NM_001382573.1, NM_001382574.1 and 5 more transcripts); c.485G>A, p.Arg162His (NM_001382569.1); c.392G>A, p.Arg131His (NM_001382570.1); c.140G>A, p.Arg47His (NM_001382571.1); c.131G>A, p.Arg44His (NM_001382580.1, NM_001382581.1); short protein forms R133H, R207H, R44H, R131H, R162H, R47H.
Identifiers: ClinVar variation 2928130 (VCV002928130.3), dbSNP rs745319940, ClinGen allele CA216358607.

ClinVar aggregate classification (germline): Uncertain significance (1 of 4 stars; one submission).

Conditions:
Combined immunodeficiency due to STIM1 deficiency. Also called: IMMUNODEFICIENCY 10; STIM1 DEFICIENCY. Identifiers: Orphanet 169090, Orphanet 317430, MedGen C2748557, MONDO:0013008, OMIM 612783.
Stormorken syndrome (STRMK). Also called: THROMBOCYTOPATHY, ASPLENIA, AND MIOSIS. Identifiers: Orphanet 3204, MedGen C1861451, MONDO:0008497, OMIM 185070.
Myopathy with tubular aggregates (TAM). Also called: Tubular Aggregate Myopathy. Identifiers: Orphanet 2593, MedGen C0410207, MONDO:0008051.

Allele frequency attached by ClinVar (database versions not stated): TOPMed below 0.00001.
gnomAD v4.1: 8 of 1,614,036 alleles (0.0005%); highest among the groups gnomAD compares: Middle Eastern, 0.017%; no homozygotes.

Submission:

Labcorp Genetics (formerly Invitae), Labcorp
Classification: Uncertain significance for Myopathy with tubular aggregates; Combined immunodeficiency due to STIM1 deficiency; Stormorken syndrome. Last evaluated: 2023-10-25. Review status: criteria provided, single submitter. Criteria: Invitae Variant Classification Sherloc (09022015). Collection method: clinical testing. Allele origin: germline.
Comment: This sequence change replaces arginine, which is basic and polar, with histidine, which is basic and polar, at codon 207 of the STIM1 protein (p.Arg207His). This variant is not present in population databases (gnomAD no frequency). This variant has not been reported in the literature in individuals affected with STIM1-related conditions. Advanced modeling of protein sequence and biophysical properties (such as structural, functional, and spatial information, amino acid conservation, physicochemical variation, residue mobility, and thermodynamic stability) has been performed at Invitae for this missense variant, however the output from this modeling did not meet the statistical confidence thresholds required to predict the impact of this variant on STIM1 protein function. In summary, the available evidence is currently insufficient to determine the role of this variant in disease. Therefore, it has been classified as a Variant of Uncertain Significance.